The following is an entry in ClinVar:

ClinVar aggregate classification (germline): Uncertain significance (1 of 4 stars; one submission).

Submission:

GeneDx
Classification: Uncertain significance. Last evaluated: 2025-06-26. Review status: criteria provided, single submitter. Criteria: GeneDx Variant Classification Process June 2021. Collection method: clinical testing. Allele origin: germline. Affected: yes.
Comment: Not observed at significant frequency in large population cohorts (gnomAD); In silico analysis supports that this missense variant has a deleterious effect on protein structure/function; Has not been previously published as pathogenic or benign to our knowledge

NM_013328.4(PYCR2):c.82C>T (p.His28Tyr)

Gene: PYCR2 (pyrroline-5-carboxylate reductase 2; minus strand). Cytogenetic location: 1q42.12.
Variant type: single nucleotide variant.
Coding change: c.82C>T on transcript NM_013328.4 (MANE Select); coding-DNA position 82, C replaced by T.
Protein change: p.His28Tyr; replaces histidine 28 with tyrosine.
Molecular consequence: missense variant.
Genome position (GRCh38, 1-based): chr1:225,923,757, G>A on the plus strand (C>T on the coding strand, the complement: PYCR2 is on the minus strand). VCF-style: chr1-225923757-G-A. GRCh37 (hg19) VCF-style: chr1-226111457-G-A.
Other names: c.82C>T, p.His28Tyr (NM_001271681.2); short protein forms H28Y.
Identifiers: ClinVar variation 4539973 (VCV004539973.1).